The following is an entry in ClinVar:

NM_023110.3(FGFR1):c.*2099T>G

Genes: FGFR1 (fibroblast growth factor receptor 1; minus strand), LOC102723716 (uncharacterized LOC102723716; minus strand). Cytogenetic location: 8p11.23.
Variant type: single nucleotide variant.
Coding change: c.*2099T>G on transcript NM_023110.3 (MANE Select); 2099 bases downstream of the stop codon, T replaced by G.
Molecular consequence: 3 prime UTR variant.
Genome position (GRCh38, 1-based): chr8:38,411,529, A>C on the plus strand (T>G on the coding strand, the complement: FGFR1 is on the minus strand). VCF-style: chr8-38411529-A-C. GRCh37 (hg19) VCF-style: chr8-38269047-A-C.
Other names: c.*2099T>G (NM_001174063.2, NM_001174064.2, NM_001174065.2 and 6 more transcripts); c.*860T>G (NM_001354367.2, NM_001354369.2, NM_001354370.2).
Identifiers: ClinVar variation 362859 (VCV000362859.5), dbSNP rs16887356, ClinGen allele CA10630943.
Genomic context (GRCh38, chr8:38,411,529, plus strand): 5'-TTGTAATGTTAGCAGGTGCTATTTACAGAGAGAAACAAAGAGAATTTTACAATAGTCGCC[A>C]ACACTGCAGCTGCCAAAAAATCCCTAGCTCAGAAATTTAAAGCAGCAATCCCATTTTCCC-3'

ClinVar aggregate classification (germline): Benign. Review status: criteria provided, single submitter (1 of 4 stars). 4 submissions from 1 submitter: Benign (4). Last evaluated 2018-01-12.

Conditions:
Osteoglophonic dysplasia (OGD). Also called: Osteoglophonic dwarfism. Identifiers: Orphanet 2645, MedGen C0432283, MONDO:0008150, OMIM 166250.
Hypogonadotropic hypogonadism 2 with or without anosmia (HH2). Also called: HYPOGONADOTROPIC HYPOGONADISM 2 WITH OR WITHOUT ANOSMIA, SUSCEPTIBILITY TO; HYPOGONADOTROPIC HYPOGONADISM 2 WITHOUT ANOSMIA, SUSCEPTIBILITY TO; FGFR1-Related GnRH Deficiency (Kallmann Syndrome 2); HYPOGONADOTROPIC HYPOGONADISM 2 WITHOUT ANOSMIA. Identifiers: Orphanet 478, MedGen C1563720, MONDO:0007844, OMIM 147950. Disease mechanism: loss of function.
Trigonocephaly 1 (TRIGNO1). Identifiers: Orphanet 3366, MedGen C0432122, MONDO:0008603, OMIM 190440.
Craniosynostosis syndrome. Also called: Craniosynostosis. Identifiers: Orphanet 1531, MedGen C0010278, MeSH D003398, MONDO:0015469, HP:0001363.

Allele frequency attached by ClinVar (database versions not stated): gnomAD exomes 0.00267; gnomAD 0.00560 and 0.00574; TOPMed 0.01057; 1000 Genomes Project 0.01218; 1000 Genomes Project 30x 0.01390.
gnomAD v4.1: 1,093 of 229,098 alleles (0.48%); highest among the groups gnomAD compares: Admixed American, 5.2%; 39 homozygotes.

Submissions (4):

Illumina Laboratory Services, Illumina
Classification: Benign for Trigonocephaly 1. Last evaluated: 2018-01-12. Review status: criteria provided, single submitter. Criteria: ICSL Variant Classification Criteria 13 December 2019. Collection method: clinical testing. Allele origin: germline.
Comment: This variant was observed in the ICSL laboratory as part of a predisposition screen in an ostensibly healthy population. It had not been previously curated by ICSL or reported in the Human Gene Mutation Database (HGMD: prior to June 1st, 2018), and was therefore a candidate for classification through an automated scoring system. Utilizing variant allele frequency, disease prevalence and penetrance estimates, and inheritance mode, an automated score was calculated to assess if this variant is too frequent to cause the disease. Based on the score and internal cut-off values, a variant classified as benign is not then subjected to further curation. The score for this variant resulted in a classification of benign for this disease.

Illumina Laboratory Services, Illumina
Classification: Benign for Osteoglophonic dysplasia. Last evaluated: 2018-01-12. Review status: criteria provided, single submitter. Criteria: ICSL Variant Classification Criteria 13 December 2019. Collection method: clinical testing. Allele origin: germline.
Comment: the same text as in the submission from Illumina Laboratory Services, Illumina above.

Illumina Laboratory Services, Illumina
Classification: Benign for Craniosynostosis. Last evaluated: 2018-01-12. Review status: criteria provided, single submitter. Criteria: ICSL Variant Classification Criteria 13 December 2019. Collection method: clinical testing. Allele origin: germline.
Comment: the same text as in the submission from Illumina Laboratory Services, Illumina above.

Illumina Laboratory Services, Illumina
Classification: Benign for Hypogonadotropic hypogonadism 2 with or without anosmia. Last evaluated: 2018-01-12. Review status: criteria provided, single submitter. Criteria: ICSL Variant Classification Criteria 13 December 2019. Collection method: clinical testing. Allele origin: germline.
Comment: the same text as in the submission from Illumina Laboratory Services, Illumina above.